The following is an entry in ClinVar:

NM_017780.4(CHD7):c.5740C>T (p.Arg1914Cys)

Gene: CHD7 (chromodomain helicase DNA binding protein 7; plus strand). Cytogenetic location: 8q12.2.
Variant type: single nucleotide variant.
Coding change: c.5740C>T on transcript NM_017780.4 (MANE Select); coding-DNA position 5740, C replaced by T.
Protein change: p.Arg1914Cys; replaces arginine 1914 with cysteine.
Molecular consequence: missense variant. On other transcripts: intron variant (1).
Genome position (GRCh38, 1-based): chr8:60,852,093, C>T. VCF-style: chr8-60852093-C-T. GRCh37 (hg19) VCF-style: chr8-61764652-C-T.
Other names: c.1717-10136C>T (NM_001316690.1); short protein forms R1914C.
Identifiers: ClinVar variation 3902883 (VCV003902883.2).

ClinVar aggregate classification (germline): Uncertain significance (1 of 4 stars; one submission).

gnomAD v4.1: 5 of 1,613,826 alleles (0.00031%); highest among the groups gnomAD compares: Non-Finnish European, 0.00042%; no homozygotes.

Submission:

GeneDx
Classification: Uncertain significance. Last evaluated: 2025-10-29. Review status: criteria provided, single submitter. Criteria: GeneDx Variant Classification Process June 2021. Collection method: clinical testing. Allele origin: germline.
Comment: Not observed at significant frequency in large population cohorts (gnomAD); In silico analysis supports that this missense variant has a deleterious effect on protein structure/function; Has not been previously published as pathogenic or benign to our knowledge